The following is an entry in ClinVar:

ClinVar aggregate classification (germline): Uncertain significance (1 of 4 stars; one submission).

Allele frequency attached by ClinVar (database versions not stated): gnomAD 0.00001; gnomAD exomes 0.00001.
gnomAD v4.1: 12 of 1,611,278 alleles (0.00074%); highest among the groups gnomAD compares: Admixed American, 0.0017%; no homozygotes.

Submission:

Labcorp Genetics (formerly Invitae), Labcorp
Classification: Uncertain significance. Last evaluated: 2020-11-16. Review status: criteria provided, single submitter. Criteria: Invitae Variant Classification Sherloc (09022015). Collection method: clinical testing. Allele origin: germline.
Comment: Algorithms developed to predict the effect of missense changes on protein structure and function are either unavailable or do not agree on the potential impact of this missense change (SIFT: "Deleterious"; PolyPhen-2: "Probably Damaging"; Align-GVGD: "Class C15"). In summary, the available evidence is currently insufficient to determine the role of this variant in disease. Therefore, it has been classified as a Variant of Uncertain Significance. This variant has not been reported in the literature in individuals with ANGPT1-related conditions. This sequence change replaces methionine with valine at codon 317 of the ANGPT1 protein (p.Met317Val). The methionine residue is highly conserved and there is a small physicochemical difference between methionine and valine. This variant is not present in population databases (ExAC no frequency).

NM_001146.5(ANGPT1):c.949A>G (p.Met317Val)

Gene: ANGPT1 (angiopoietin 1; minus strand). Cytogenetic location: 8q23.1.
Variant type: single nucleotide variant.
Coding change: c.949A>G on transcript NM_001146.5 (MANE Select); coding-DNA position 949, A replaced by G.
Protein change: p.Met317Val; replaces methionine 317 with valine.
Molecular consequence: missense variant.
Genome position (GRCh38, 1-based): chr8:107,294,025, T>C on the plus strand (A>G on the coding strand, the complement: ANGPT1 is on the minus strand). VCF-style: chr8-107294025-T-C. GRCh37 (hg19) VCF-style: chr8-108306253-T-C.
Other names: c.946A>G, p.Met316Val (NM_001199859.3); c.349A>G, p.Met117Val (NM_001314051.2); short protein forms M117V, M316V, M317V.
Identifiers: ClinVar variation 1500427 (VCV001500427.8), dbSNP rs1034538028, ClinGen allele CA183450835.